The following is an entry in ClinVar:

NM_017679.5(BCAS3):c.726T>G (p.Tyr242Ter)

Gene: BCAS3 (BCAS3 microtubule associated cell migration factor; plus strand). Cytogenetic location: 17q23.2.
Variant type: single nucleotide variant.
Coding change: c.726T>G on transcript NM_017679.5 (MANE Select); coding-DNA position 726, T replaced by G.
Protein change: p.Tyr242Ter; replaces tyrosine 242 with a stop codon.
Molecular consequence: nonsense.
Genome position (GRCh38, 1-based): chr17:60,889,759, T>G. VCF-style: chr17-60889759-T-G. GRCh37 (hg19) VCF-style: chr17-58967120-T-G.
Other names: c.726T>G, p.Tyr242Ter (NM_001099432.3, NM_001320470.3, NM_001330413.2 and 4 more transcripts); short protein forms Y242*.
Identifiers: ClinVar variation 993268 (VCV000993268.6), dbSNP rs2145000036, ClinGen allele CA400780047.

ClinVar aggregate classification (germline): Pathogenic/Likely pathogenic. Review status: no assertion criteria provided (0 of 4 stars). 3 submissions from 3 submitters: Pathogenic (1); Likely pathogenic (2). Last evaluated 2023-09-12.

Conditions:
Global developmental delay (DD). Also called: Cognitive delay. Identifiers: MedGen C0557874, HP:0001263. Disease mechanism: loss of function.
Hengel-Maroofian-Schols syndrome. Also called: NEURODEVELOPMENTAL DISORDER WITH SPASTICITY, FACIAL DYSMORPHISM, AND BRAIN ABNORMALITIES; Global developmental delay-intellectual disability-microcephaly-short stature-brain iron accumulation syndrome. Identifiers: Orphanet 697067, MedGen C5562032, MONDO:0859208, OMIM 619641.

Submissions (3):

OMIM
Classification: Pathogenic for HENGEL-MAROOFIAN-SCHOLS SYNDROME. Last evaluated: 2023-09-12. Review status: no assertion criteria provided. Collection method: literature only. Allele origin: germline.

Solve-RD Consortium
Classification: Likely pathogenic for Hengel-Maroofian-Schols syndrome. Last evaluated: 2022-06-01. Review status: no assertion criteria provided. Collection method: provider interpretation. Allele origin: inherited. Affected: yes.
Comment: Variant confirmed as disease-causing by referring clinical team

Variant identified during reanalysis of unsolved cases by the Solve-RD project. The Solve-RD project has received funding from the European Union’s Horizon 2020 research and innovation programme under grant agreement No 779257.

Section for Clinical Neurogenetics, University of Tübingen
Classification: Likely pathogenic for global developmental delay. Last evaluated: 2021-01-12. Review status: no assertion criteria provided. Collection method: research. Allele origin: germline. Affected: yes.

Literature cited by the submitters: PubMed 34022130 (cited by OMIM); PubMed 39825153 (cited by Solve-RD Consortium).